The following is an entry in ClinVar:

ClinVar aggregate classification (germline): Conflicting classifications of pathogenicity. Review status: criteria provided, conflicting classifications (1 of 4 stars). 6 submissions from 6 submitters: Uncertain significance (4); Likely benign (2). Last evaluated 2026-04-23.

Conditions:
Hereditary cancer-predisposing syndrome. Also called: Tumor predisposition; Hereditary neoplastic syndrome; Neoplastic Syndromes, Hereditary; Hereditary Cancer Syndrome. Identifiers: Orphanet 140162, MedGen C0027672, MeSH D009386, MONDO:0015356.
Hereditary breast ovarian cancer syndrome. Also called: BRCA1- and BRCA2-Associated Hereditary Breast and Ovarian Cancer; Hereditary breast and/or ovarian cancer syndrome; Hereditary breast and ovarian cancer; Hereditary breast and ovarian cancer syndrome (HBOC); Breast and ovarian cancer; Hereditary breast and ovarian cancer syndrome. Identifiers: Orphanet 145, MedGen C0677776, MeSH D061325, MONDO:0003582. Disease mechanism: loss of function.

Allele frequency attached by ClinVar (database versions not stated): gnomAD exomes below 0.00001.

Submissions (6):

Ambry Genetics
Classification: Uncertain significance for Hereditary cancer-predisposing syndrome. Last evaluated: 2026-04-23. Review status: criteria provided, single submitter. Criteria: Ambry Variant Classification Scheme 2023. Collection method: clinical testing. Allele origin: germline.
Comment: The p.S782R variant (also known as c.2346T>A), located in coding exon 9 of the BRCA1 gene, results from a T to A substitution at nucleotide position 2346. The serine at codon 782 is replaced by arginine, an amino acid with dissimilar properties. This amino acid position is well conserved in available vertebrate species. In addition, this alteration is predicted to be deleterious by in silico analysis. Based on the available evidence, the clinical significance of this variant remains unclear.

Labcorp Genetics (formerly Invitae), Labcorp
Classification: Likely benign for Hereditary breast ovarian cancer syndrome. Last evaluated: 2025-09-22. Review status: criteria provided, single submitter. Criteria: Invitae Variant Classification Sherloc (09022015). Collection method: clinical testing. Allele origin: germline.

Color Diagnostics, LLC DBA Color Health
Classification: Uncertain significance for Hereditary cancer-predisposing syndrome. Last evaluated: 2025-02-03. Review status: criteria provided, single submitter. Criteria: ACMG Guidelines, 2015. Collection method: clinical testing. Allele origin: germline.
Comment: This missense variant replaces serine with arginine at codon 782 of the BRCA1 protein. Computational prediction is inconclusive regarding the impact of this variant on protein structure and function. To our knowledge, functional studies have not been reported for this variant. This variant has been reported in a sample referred for hereditary cancer screening (PMID 25318351). A multifactorial analysis has reported likelihood ratios for pathogenicity based on co-occurrence with a pathogenic variant and family history of 1.0330920372 and 0.27441778155, respectively (PMID: 31131967). This variant has not been identified in the general population by the Genome Aggregation Database (gnomAD). The available evidence is insufficient to determine the role of this variant in disease conclusively. Therefore, this variant is classified as a Variant of Uncertain Significance.

Women's Health and Genetics/Laboratory Corporation of America, LabCorp
Classification: Uncertain significance. Last evaluated: 2023-12-20. Review status: criteria provided, single submitter. Criteria: LabCorp Variant Classification Summary - May 2015. Collection method: clinical testing. Allele origin: germline.
Comment: Variant summary: BRCA1 c.2346T>A (p.Ser782Arg) results in a non-conservative amino acid change in the encoded protein sequence. Three of five in-silico tools predict a damaging effect of the variant on protein function. The variant was absent in 250738 control chromosomes (gnomAD). The available data on variant occurrences in the general population are insufficient to allow any conclusion about variant significance. c.2346T>A has been reported in at-least one individual from a study that offered hereditary cancer panel test to a cohort of 132 patients and was classified as VUS (example: Yorczyk_2015). This report does not provide unequivocal conclusions about association of the variant with Hereditary Breast And Ovarian Cancer Syndrome. To our knowledge, no experimental evidence demonstrating an impact on protein function has been reported. The following publication has been ascertained in the context of this evaluation (PMID: 25318351). Four submitters have cited clinical-significance assessments for this variant to ClinVar after 2014 and classified the variant as VUS (n=2) and likely benign (n=2). Based on the evidence outlined above, the variant was classified as uncertain significance.

University of Washington Department of Laboratory Medicine, University of Washington
Classification: Likely benign for Hereditary cancer-predisposing syndrome. Last evaluated: 2023-03-23. Review status: criteria provided, single submitter. Criteria: Dines et al. (Genet Med. 2020). Collection method: curation. Allele origin: germline.
Comment: Missense variant in a coldspot region where missense variants are very unlikely to be pathogenic (PMID:31911673).

BRCA1 coldspot (exon 11 using historical exon numbering). Reclassification based on statistical prior probability

PreventionGenetics, part of Exact Sciences
Classification: Uncertain significance. Last evaluated: 2017-03-21. Review status: criteria provided, single submitter. Criteria: ACMG Guidelines, 2015. Collection method: clinical testing. Allele origin: germline.

Literature cited by the submitters: PubMed 25318351 (cited by Color Diagnostics, LLC DBA Color Health and Women's Health and Genetics/Laboratory Corporation of America, LabCorp); PubMed 31131967 (cited by Color Diagnostics, LLC DBA Color Health).

NM_007294.4(BRCA1):c.2346T>A (p.Ser782Arg)

Gene: BRCA1 (BRCA1 DNA repair associated; minus strand). Cytogenetic location: 17q21.31.
Variant type: single nucleotide variant.
Coding change: c.2346T>A on transcript NM_007294.4 (MANE Select); coding-DNA position 2346, T replaced by A.
Protein change: p.Ser782Arg; replaces serine 782 with arginine.
Molecular consequence: missense variant. On other transcripts: intron variant (137).
Genome position (GRCh38, 1-based): chr17:43,093,185, A>T on the plus strand (T>A on the coding strand, the complement: BRCA1 is on the minus strand). VCF-style: chr17-43093185-A-T. GRCh37 (hg19) VCF-style: chr17-41245202-A-T.
Other names: c.2133T>A, p.Ser711Arg (NM_001407571.1, NM_001407915.1, NM_001407916.1 and 9 more transcripts); c.2346T>A, p.Ser782Arg (NM_001407581.1, NM_001407582.1, NM_001407583.1 and 30 more transcripts); c.2343T>A, p.Ser781Arg (NM_001407587.1, NM_001407590.1, NM_001407591.1 and 22 more transcripts); c.2268T>A, p.Ser756Arg (NM_001407653.1, NM_001407654.1, NM_001407655.1 and 4 more transcripts); c.2265T>A, p.Ser755Arg (NM_001407659.1, NM_001407660.1, NM_001407661.1 and 1 more transcripts); c.2220T>A, p.Ser740Arg (NM_001407672.1, NM_001407673.1, NM_001407691.1 and 11 more transcripts); c.2223T>A, p.Ser741Arg (NM_001407674.1, NM_001407675.1, NM_001407676.1 and 19 more transcripts); c.2205T>A, p.Ser735Arg (NM_001407692.1, NM_001407694.1, NM_001407695.1 and 29 more transcripts); and 41 more; short protein forms S782R, S735R, S654R, S711R, S740R, S741R, S655R, S715R.
Identifiers: ClinVar variation 496356 (VCV000496356.19), dbSNP rs1555589837, ClinGen allele CA10597314.